The following is an entry in ClinVar:

NM_002875.5(RAD51):c.149A>T (p.Glu50Val)

Gene: RAD51 (RAD51 recombinase; plus strand). Cytogenetic location: 15q15.1.
Variant type: single nucleotide variant.
Coding change: c.149A>T on transcript NM_002875.5 (MANE Select); coding-DNA position 149, A replaced by T.
Protein change: p.Glu50Val; replaces glutamic acid 50 with valine.
Molecular consequence: missense variant.
Genome position (GRCh38, 1-based): chr15:40,701,125, A>T. VCF-style: chr15-40701125-A-T. GRCh37 (hg19) VCF-style: chr15-40993323-A-T.
Other names: c.149A>T, p.Glu50Val (NM_001164269.2, NM_001164270.2, NM_133487.4); short protein forms E50V.
Identifiers: ClinVar variation 5020654 (VCV005020654.1).

ClinVar aggregate classification (germline): Uncertain significance (1 of 4 stars; one submission).

gnomAD v4.1: 2 of 1,614,130 alleles (0.00012%); highest among the groups gnomAD compares: African/African-American, 0.0027%; no homozygotes.

Submission:

Dasa
Classification: Uncertain significance. Last evaluated: 2026-04-30. Review status: criteria provided, single submitter. Criteria: DASA Assertion Criteria. Collection method: clinical testing. Allele origin: germline.
Comment: NM_002875.5(RAD51):c.149A>T (p.Glu50Val) is a missense variant that results in the substitution of glutamic acid with valine. This variant is rare in population databases. Computational prediction algorithms are consistent with a deleterious effect. The currently available literature and clinical evidence are not sufficient to establish a definitive association between this variant and the reported condition. Therefore, this variant is classified as a variant of uncertain significance.